The following is an entry in ClinVar:

NM_001048174.2(MUTYH):c.1061C>A (p.Ala354Asp)

Gene: MUTYH (mutY DNA glycosylase; minus strand). Cytogenetic location: 1p34.1.
Variant type: single nucleotide variant.
Coding change: c.1061C>A on transcript NM_001048174.2 (MANE Select); coding-DNA position 1061, C replaced by A.
Protein change: p.Ala354Asp; replaces alanine 354 with aspartic acid.
Molecular consequence: missense variant. On other transcripts: non-coding transcript variant (7).
Genome position (GRCh38, 1-based): chr1:45,331,702, G>T on the plus strand (C>A on the coding strand, the complement: MUTYH is on the minus strand). VCF-style: chr1-45331702-G-T. GRCh37 (hg19) VCF-style: chr1-45797374-G-T.
Other names: c.1061C>A, p.Ala354Asp (NM_001293195.2, NM_001407070.1, NM_001407072.1 and 6 more transcripts); c.785C>A, p.Ala262Asp (NM_001293196.2, NM_001407091.1, NM_001293192.2); c.716C>A, p.Ala239Asp (NM_001350650.2, NM_001350651.2, NM_001407082.1); c.1094C>A, p.Ala365Asp (NM_001407069.1, NM_001293191.2, NM_001407077.1); c.1064C>A, p.Ala355Asp (NM_001407071.1, NM_001048172.2, NM_001407078.1 and 1 more transcripts); c.1082C>A, p.Ala361Asp (NM_001407087.1); c.1136C>A, p.Ala379Asp (NM_012222.3); c.1145C>A, p.Ala382Asp (NM_001128425.2); and 5 more; short protein forms A262D, A355D, A361D, A365D, A379D, A382D, A239D, A341D.
Identifiers: ClinVar variation 4113051 (VCV004113051.1).

ClinVar aggregate classification (germline): Uncertain significance (1 of 4 stars; one submission).

Conditions:
Hereditary cancer-predisposing syndrome. Also called: Tumor predisposition; Neoplastic Syndromes, Hereditary; Hereditary neoplastic syndrome; Hereditary Cancer Syndrome. Identifiers: Orphanet 140162, MedGen C0027672, MeSH D009386, MONDO:0015356.

Submission:

Ambry Genetics
Classification: Uncertain significance for Hereditary cancer-predisposing syndrome. Last evaluated: 2025-08-27. Review status: criteria provided, single submitter. Criteria: Ambry Variant Classification Scheme 2023. Collection method: clinical testing. Allele origin: germline.
Comment: The p.A382D variant (also known as c.1145C>A), located in coding exon 12 of the MUTYH gene, results from a C to A substitution at nucleotide position 1145. The alanine at codon 382 is replaced by aspartic acid, an amino acid with dissimilar properties. This amino acid position is conserved. In addition, this alteration is predicted to be tolerated by in silico analysis. Based on the available evidence, the clinical significance of this variant remains unclear.